The following is an entry in ClinVar:

NM_173628.4(DNAH17):c.8907C>T (p.Ser2969=)

Gene: DNAH17 (dynein axonemal heavy chain 17; minus strand). Cytogenetic location: 17q25.3.
Variant type: single nucleotide variant.
Coding change: c.8907C>T on transcript NM_173628.4 (MANE Select); coding-DNA position 8907, C replaced by T.
Protein change: p.Ser2969=; no amino-acid change (serine 2969 retained).
Molecular consequence: synonymous variant.
Genome position (GRCh38, 1-based): chr17:78,466,688, G>A on the plus strand (C>T on the coding strand, the complement: DNAH17 is on the minus strand). VCF-style: chr17-78466688-G-A. GRCh37 (hg19) VCF-style: chr17-76462770-G-A.
Identifiers: ClinVar variation 402677 (VCV000402677.9), dbSNP rs691225, ClinGen allele CA8801605.

ClinVar aggregate classification (germline): Benign. Review status: criteria provided, multiple submitters, no conflicts (2 of 4 stars). 4 submissions from 4 submitters: Benign (3). 1 of the submissions does not count toward it. Last evaluated 2021-05-04.

Conditions:
DNAH17-related disorder. Also called: DNAH17-related condition.

Allele frequency attached by ClinVar (database versions not stated): 1000 Genomes Project 30x 0.64475; 1000 Genomes Project 0.65016; TOPMed 0.66070; gnomAD 0.66535 and 0.66907; ESP Exome Variant Server 0.67002; ExAC 0.73118; gnomAD exomes 0.73800 and 0.76656.
gnomAD v4.1: 1,219,450 of 1,611,012 alleles (76%); highest among the groups gnomAD compares: East Asian, 82%; 468,641 homozygotes.

Submissions (4):

GeneDx
Classification: Benign. Last evaluated: 2021-05-04. Review status: criteria provided, single submitter. Criteria: GeneDx Variant Classification Process June 2021. Collection method: clinical testing. Allele origin: germline. Affected: yes.

Laboratory for Molecular Medicine, Mass General Brigham Personalized Medicine
Classification: Benign. Last evaluated: 2016-03-29. Review status: criteria provided, single submitter. Criteria: LMM Criteria. Collection method: clinical testing. Allele origin: germline.
Comment: Variant identified in a genome or exome case(s) and assessed due to predicted null impact of the variant or pathogenic assertions in the literature or databases. Disclaimer: This variant has not undergone full assessment. The following are preliminary notes: Frequency

Breakthrough Genomics
Classification: Benign. Review status: criteria provided, single submitter. Criteria: ACMG Guidelines, 2015. Collection method: not provided. Allele origin: germline. Inheritance: Autosomal recessive inheritance. Affected: yes.

PreventionGenetics, part of Exact Sciences
Classification: Benign for DNAH17-related condition. Last evaluated: 2019-10-17. Review status: no assertion criteria provided. Collection method: clinical testing. Allele origin: germline. Not counted in ClinVar's aggregate classification.
Comment: This variant is classified as benign based on ACMG/AMP sequence variant interpretation guidelines (Richards et al. 2015 PMID: 25741868, with internal and published modifications).